The following is an entry in ClinVar:

NM_001242896.3(DEPDC5):c.1976T>A (p.Leu659Gln)

Gene: DEPDC5 (DEP domain containing 5, GATOR1 subcomplex subunit; plus strand). Cytogenetic location: 22q12.3.
Variant type: single nucleotide variant.
Coding change: c.1976T>A on transcript NM_001242896.3 (MANE Select); coding-DNA position 1976, T replaced by A.
Protein change: p.Leu659Gln; replaces leucine 659 with glutamine.
Molecular consequence: missense variant. On other transcripts: non-coding transcript variant (4), intron variant (3).
Genome position (GRCh38, 1-based): chr22:31,821,607, T>A. VCF-style: chr22-31821607-T-A. GRCh37 (hg19) VCF-style: chr22-32217593-T-A.
Other names: c.1976T>A, p.Leu659Gln (NM_001136029.4, NM_001363852.2, NM_001364318.2 and 3 more transcripts); c.1892T>A, p.Leu631Gln (NM_001369901.1, NM_001369902.1); c.1870+2382T>A (NM_001363854.2, NM_001242897.2, NM_001364319.2); short protein forms L631Q, L659Q.
Identifiers: ClinVar variation 1505639 (VCV001505639.6), dbSNP rs2148822130, ClinGen allele CA411282091.

ClinVar aggregate classification (germline): Uncertain significance (1 of 4 stars; one submission).

Conditions:
Familial focal epilepsy with variable foci (FPEVF). Identifiers: Orphanet 98820, MedGen C1858477, MONDO:0020310.

Submission:

Labcorp Genetics (formerly Invitae), Labcorp
Classification: Uncertain significance for Familial focal epilepsy with variable foci. Last evaluated: 2022-02-10. Review status: criteria provided, single submitter. Criteria: Invitae Variant Classification Sherloc (09022015). Collection method: clinical testing. Allele origin: germline.
Comment: In summary, the available evidence is currently insufficient to determine the role of this variant in disease. Therefore, it has been classified as a Variant of Uncertain Significance. Algorithms developed to predict the effect of missense changes on protein structure and function are either unavailable or do not agree on the potential impact of this missense change (SIFT: "Tolerated"; PolyPhen-2: "Not Available"; Align-GVGD: "Class C0"). This variant has not been reported in the literature in individuals affected with DEPDC5-related conditions. This variant is not present in population databases (gnomAD no frequency). This sequence change replaces leucine, which is neutral and non-polar, with glutamine, which is neutral and polar, at codon 659 of the DEPDC5 protein (p.Leu659Gln).